The following is an entry in ClinVar:

ClinVar aggregate classification (germline): Pathogenic. Review status: criteria provided, multiple submitters, no conflicts (2 of 4 stars). 6 submissions from 6 submitters: Pathogenic (5). 1 of the submissions does not count toward it. Last evaluated 2023-08-25.

Conditions:
X-linked Emery-Dreifuss muscular dystrophy. Also called: Muscular dystrophy, tardive Emery-Dreifuss type, with contractures. Identifiers: Orphanet 261, Orphanet 98863, MedGen C0751337, MONDO:0010680.
EMD-related disorder. Also called: EMD-related condition.
Emery-Dreifuss muscular dystrophy 1, X-linked (EDMD1). Also called: SCAPULOPERONEAL SYNDROME, X-LINKED; HUMEROPERONEAL NEUROMUSCULAR DISEASE; Muscular dystrophy, tardive, Dreifuss-Emery type, with contractures; EMD-Related Emery-Dreifuss Muscular Dystrophy, X-Linked. Identifiers: MedGen CN375556, MONDO:0100531, OMIM 310300.

Submissions (6):

Labcorp Genetics (formerly Invitae), Labcorp
Classification: Pathogenic for X-linked Emery-Dreifuss muscular dystrophy. Last evaluated: 2023-08-25. Review status: criteria provided, single submitter. Criteria: Invitae Variant Classification Sherloc (09022015). Collection method: clinical testing. Allele origin: germline.
Comment: For these reasons, this variant has been classified as Pathogenic. ClinVar contains an entry for this variant (Variation ID: 289486). This premature translational stop signal has been observed in individual(s) with Emery-Dreifuss muscular dystrophy (PMID: 9536090, 10382910, 21697856, 24375709, 25210889, 31645980). This variant is not present in population databases (gnomAD no frequency). This sequence change creates a premature translational stop signal (p.Leu84Profs*7) in the EMD gene. It is expected to result in an absent or disrupted protein product. Loss-of-function variants in EMD are known to be pathogenic (PMID: 24365856).

PreventionGenetics, part of Exact Sciences
Classification: Pathogenic for EMD-related condition. Last evaluated: 2023-04-25. Review status: criteria provided, single submitter. Criteria: ACMG Guidelines, 2015. Collection method: clinical testing. Allele origin: germline.
Comment: The EMD c.251_255del5 variant is predicted to result in a frameshift and premature protein termination (p.Leu84Profs*7). This variant has been reported in individuals with Emery-Dreifuss muscular dystrophy (Reported as delTCTAC in Manilal et al 1998. PubMed ID: 9536090; Dai X et al 2019. PubMed ID: 31645980). This variant has not been reported in a large population database, indicating this variant is rare. Frameshift variants in EMD are expected to be pathogenic. This variant is interpreted as pathogenic.

Revvity Omics, Revvity
Classification: Pathogenic for Emery-Dreifuss muscular dystrophy 1, X-linked. Last evaluated: 2022-03-09. Review status: criteria provided, single submitter. Criteria: ACMG Guidelines, 2015. Collection method: clinical testing. Allele origin: germline.

Eurofins Ntd Llc (ga)
Classification: Pathogenic. Last evaluated: 2016-07-25. Review status: criteria provided, single submitter. Criteria: EGL Classification Definitions 2015. Collection method: clinical testing. Allele origin: germline. Observed: 1 variant allele, 1 hemizygote.

Molecular Diagnostics Lab, Nemours Children's Health, Delaware
Classification: Pathogenic. Last evaluated: 2016-07-25. Review status: criteria provided, single submitter. Criteria: ACMG Guidelines, 2015. Collection method: clinical testing. Allele origin: maternal, unknown. Affected: yes and no. Observed: 2 heterozygotes, 1 hemizygote.

OMIM
Classification: Pathogenic for EMERY-DREIFUSS MUSCULAR DYSTROPHY, X-LINKED. Last evaluated: 1998-05-01. Review status: no assertion criteria provided. Collection method: literature only. Allele origin: germline. Not counted in ClinVar's aggregate classification.

Literature cited by the submitters: PubMed 9536090 (cited by 3 submitters); PubMed 10382910 (cited by Labcorp Genetics (formerly Invitae), Labcorp); PubMed 21697856 (cited by Labcorp Genetics (formerly Invitae), Labcorp); PubMed 24375709 (cited by Labcorp Genetics (formerly Invitae), Labcorp); PubMed 25210889 (cited by Labcorp Genetics (formerly Invitae), Labcorp); PubMed 31645980 (cited by Labcorp Genetics (formerly Invitae), Labcorp); PubMed 24365856 (cited by Labcorp Genetics (formerly Invitae), Labcorp).

NM_000117.3(EMD):c.251_255del (p.Leu84fs)

Gene: EMD (emerin; plus strand). Cytogenetic location: Xq28.
Variant type: Deletion.
Coding change: c.251_255del on transcript NM_000117.3 (MANE Select); coding-DNA positions 251 to 255, 5 bases deleted (TCTAC; older notation c.251_255delTCTAC).
Protein change: p.Leu84fs; shifts the reading frame from leucine 84.
Molecular consequence: frameshift variant.
Genome position (GRCh38, 1-based): chrX:154,380,005-154,380,009, TCTAC deleted; deleting any 5 consecutive bases within chrX:154,380,002-154,380,009 gives the same sequence; the c. name uses the placement nearest the transcript's 3' end. VCF-style (leftmost placement, unchanged base first): chrX-154380001-TTACTC-T. GRCh37 (hg19) VCF-style: chrX-153608361-TTACTC-T.
Other names: c.251_255delTCTAC (NM_000117.2); c.251_255del5 (NM_000117.2); short protein forms L84fs.
Identifiers: ClinVar variation 289486 (VCV000289486.20), dbSNP rs782452523, ClinGen allele CA10561551.